The following is an entry in ClinVar:

NM_001283.5(AP1S1):c.414T>C (p.Ala138=)

Gene: AP1S1 (adaptor related protein complex 1 subunit sigma 1; plus strand). Cytogenetic location: 7q22.1.
Variant type: single nucleotide variant.
Coding change: c.414T>C on transcript NM_001283.5 (MANE Select); coding-DNA position 414, T replaced by C.
Protein change: p.Ala138=; no amino-acid change (alanine 138 retained).
Molecular consequence: synonymous variant.
Genome position (GRCh38, 1-based): chr7:101,159,181, T>C. VCF-style: chr7-101159181-T-C. GRCh37 (hg19) VCF-style: chr7-100802462-T-C.
Other names: c.414T>C (NM_001283.3).
Identifiers: ClinVar variation 2766571 (VCV002766571.4), dbSNP rs372661458, ClinGen allele CA4406002.

ClinVar aggregate classification (germline): Likely benign. Review status: criteria provided, multiple submitters, no conflicts (2 of 4 stars). 2 submissions from 2 submitters: Likely benign (2). Last evaluated 2026-03-02.

Conditions:
AP1S1-related disorder. Also called: AP1S1-related condition.

Allele frequency attached by ClinVar (database versions not stated): gnomAD 0.00002; ExAC 0.00003; gnomAD exomes 0.00003; TOPMed 0.00003; ESP Exome Variant Server 0.00016.
gnomAD v4.1: 43 of 1,612,426 alleles (0.0027%); highest among the groups gnomAD compares: Non-Finnish European, 0.0033%; no homozygotes.

Submissions (2):

PreventionGenetics, part of Exact Sciences
Classification: Likely benign for AP1S1-related condition. Last evaluated: 2026-03-02. Review status: criteria provided, single submitter. Criteria: ACMG Guidelines, 2015. Collection method: clinical testing. Allele origin: germline.
Comment: This variant is classified as likely benign based on ACMG/AMP sequence variant interpretation guidelines (Richards et al. 2015 PMID: 25741868, with internal and published modifications).

Labcorp Genetics (formerly Invitae), Labcorp
Classification: Likely benign. Last evaluated: 2024-07-19. Review status: criteria provided, single submitter. Criteria: Invitae Variant Classification Sherloc (09022015). Collection method: clinical testing. Allele origin: germline.